The following is an entry in ClinVar:

NM_007289.4(MME):c.2198T>C (p.Phe733Ser)

Gene: MME (membrane metalloendopeptidase; plus strand). Cytogenetic location: 3q25.2.
Variant type: single nucleotide variant.
Coding change: c.2198T>C on transcript NM_007289.4 (MANE Select); coding-DNA position 2198, T replaced by C.
Protein change: p.Phe733Ser; replaces phenylalanine 733 with serine.
Molecular consequence: missense variant.
Genome position (GRCh38, 1-based): chr3:155,180,404, T>C. VCF-style: chr3-155180404-T-C. GRCh37 (hg19) VCF-style: chr3-154898193-T-C.
Other names: c.2198T>C, p.Phe733Ser (NM_000902.5, NM_001354642.2, NM_001354643.1 and 2 more transcripts); c.2198T>C (NM_007289.2); short protein forms F733S.
Identifiers: ClinVar variation 1937173 (VCV001937173.7), dbSNP rs1405191956, ClinGen allele CA355219342.
Genomic context (GRCh38, chr3:155,180,404, plus strand): 5'-TTTGTTTGTTTCAAAGGATTATTGGGACTTTGCAGAACTCTGCAGAGTTTTCAGAAGCCT[T>C]TCACTGCCGCAAGAATTCATACATGAATCCAGAAAAGAAGTGCCGGGTTTGGTGATCTTC-3'
Protein context (NP_009220.2, residues 723-743): LQNSAEFSEA[Phe733Ser]HCRKNSYMNP

ClinVar aggregate classification (germline): Uncertain significance. Review status: criteria provided, multiple submitters, no conflicts (2 of 4 stars). 3 submissions from 3 submitters: Uncertain significance (3). Last evaluated 2025-05-01.

Conditions:
Inborn genetic diseases. Identifiers: MedGen C0950123, MeSH D030342.

Allele frequency attached by ClinVar (database versions not stated): gnomAD exomes below 0.00001.
gnomAD v4.1: 2 of 1,613,684 alleles (0.00012%); highest among the groups gnomAD compares: Non-Finnish European, 0.00017%; no homozygotes.

Submissions (3):

Ambry Genetics
Classification: Uncertain significance for Inborn genetic diseases. Last evaluated: 2025-05-01. Review status: criteria provided, single submitter. Criteria: Ambry Variant Classification Scheme 2023. Collection method: clinical testing. Allele origin: germline.

GeneDx
Classification: Uncertain significance. Last evaluated: 2023-05-03. Review status: criteria provided, single submitter. Criteria: GeneDx Variant Classification Process June 2021. Collection method: clinical testing. Allele origin: germline. Affected: yes.
Comment: Not observed at significant frequency in large population cohorts (gnomAD); In silico analysis supports that this missense variant has a deleterious effect on protein structure/function; Has not been previously published as pathogenic or benign to our knowledge

Labcorp Genetics (formerly Invitae), Labcorp
Classification: Uncertain significance. Last evaluated: 2022-02-17. Review status: criteria provided, single submitter. Criteria: Invitae Variant Classification Sherloc (09022015). Collection method: clinical testing. Allele origin: germline.
Comment: This sequence change replaces phenylalanine, which is neutral and non-polar, with serine, which is neutral and polar, at codon 733 of the MME protein (p.Phe733Ser). In summary, the available evidence is currently insufficient to determine the role of this variant in disease. Therefore, it has been classified as a Variant of Uncertain Significance. Algorithms developed to predict the effect of missense changes on protein structure and function are either unavailable or do not agree on the potential impact of this missense change (SIFT: "Deleterious"; PolyPhen-2: "Probably Damaging"; Align-GVGD: "Class C0"). This variant has not been reported in the literature in individuals affected with MME-related conditions. This variant is present in population databases (no rsID available, gnomAD 0.0009%).